The following is an entry in ClinVar:

ClinVar aggregate classification (germline): Uncertain significance. Review status: criteria provided, multiple submitters, no conflicts (2 of 4 stars). 2 submissions from 2 submitters: Uncertain significance (2). Last evaluated 2022-05-29.

Conditions:
Osteogenesis imperfecta (OI). Identifiers: Orphanet 666, MedGen C0029434, MeSH D010013, MONDO:0019019.

Allele frequency attached by ClinVar (database versions not stated): gnomAD 0.00002 and 0.00004; TOPMed 0.00003; ExAC 0.00004.

Submissions (2):

Labcorp Genetics (formerly Invitae), Labcorp
Classification: Uncertain significance. Last evaluated: 2022-05-29. Review status: criteria provided, single submitter. Criteria: Invitae Variant Classification Sherloc (09022015). Collection method: clinical testing. Allele origin: germline.
Comment: This sequence change replaces proline, which is neutral and non-polar, with leucine, which is neutral and non-polar, at codon 115 of the XYLT2 protein (p.Pro115Leu). This variant is present in population databases (rs748114111, gnomAD 0.003%). This variant has not been reported in the literature in individuals affected with XYLT2-related conditions. Algorithms developed to predict the effect of missense changes on protein structure and function (SIFT, PolyPhen-2, Align-GVGD) all suggest that this variant is likely to be tolerated. In summary, the available evidence is currently insufficient to determine the role of this variant in disease. Therefore, it has been classified as a Variant of Uncertain Significance.

Genome Diagnostics Laboratory, The Hospital for Sick Children
Classification: Uncertain significance for Osteogenesis imperfecta. Last evaluated: 2021-01-22. Review status: criteria provided, single submitter. Criteria: ACMG Guidelines, 2015. Collection method: clinical testing. Allele origin: germline.

NM_022167.4(XYLT2):c.344C>T (p.Pro115Leu)

Gene: XYLT2 (xylosyltransferase 2; plus strand). Cytogenetic location: 17q21.33.
Variant type: single nucleotide variant.
Coding change: c.344C>T on transcript NM_022167.4 (MANE Select); coding-DNA position 344, C replaced by T.
Protein change: p.Pro115Leu; replaces proline 115 with leucine.
Molecular consequence: missense variant.
Genome position (GRCh38, 1-based): chr17:50,353,838, C>T. VCF-style: chr17-50353838-C-T. GRCh37 (hg19) VCF-style: chr17-48431199-C-T.
Other names: short protein forms P115L.
Identifiers: ClinVar variation 1702083 (VCV001702083.5), dbSNP rs748114111, ClinGen allele CA8646142.